The following is an entry in ClinVar:

ClinVar aggregate classification (germline): Likely pathogenic (1 of 4 stars; one submission).

Conditions:
Multiple sulfatase deficiency (MSD). Also called: Mucosulfatidosis; Multiple Sulfatase Deficiency Disease; Sulfatidosis, Juvenile, Austin Type. Identifiers: Orphanet 585, MedGen C0268263, MONDO:0010088, OMIM 272200.

Submission:

Natera, Inc.
Classification: Likely pathogenic for Multiple sulfatase deficiency. Last evaluated: 2024-03-04. Review status: criteria provided, single submitter. Criteria: Natera Variant Classification Schema (03/2026). Collection method: clinical testing. Allele origin: germline.
Comment: The c.725+1G>C variant in SUMF1 is a canonical splice donor site variant predicted to affect pre-mRNA splicing, which may result in an abnormal transcript and altered protein product. This variant is expected to result in nonsense mediated decay, truncation, or a dysfunctional protein product. This variant is rare in the general population with a frequency below the threshold expected for the associated phenotype(s). This variant has been observed in one or more individuals affected with the associated recessive disease, as either homozygous or compound heterozygous with a second variant (PMID: 25885655). Given the available evidence, this variant is classified as Likely Pathogenic.

Literature cited by the submitters: PubMed 25885655.

NM_182760.4(SUMF1):c.725+1G>C

Gene: SUMF1 (sulfatase modifying factor 1; minus strand). Cytogenetic location: 3p26.1.
Variant type: single nucleotide variant.
Coding change: c.725+1G>C on transcript NM_182760.4 (MANE Select); the canonical splice donor site of the intron after coding-DNA position 725, G replaced by C.
Molecular consequence: splice donor variant.
Genome position (GRCh38, 1-based): chr3:4,418,009, C>G on the plus strand (G>C on the coding strand, the complement: SUMF1 is on the minus strand). VCF-style: chr3-4418009-C-G. GRCh37 (hg19) VCF-style: chr3-4459693-C-G.
Other names: c.650+1G>C (NM_001164674.2); c.725+1G>C (NM_001164675.2).
Identifiers: ClinVar variation 4817001 (VCV004817001.1).